The following is an entry in ClinVar:

NM_000268.4(NF2):c.92C>G (p.Ala31Gly)

Gene: NF2 (NF2, moesin-ezrin-radixin like (MERLIN) tumor suppressor; plus strand). Cytogenetic location: 22q12.2.
Variant type: single nucleotide variant.
Coding change: c.92C>G on transcript NM_000268.4 (MANE Select); coding-DNA position 92, C replaced by G.
Protein change: p.Ala31Gly; replaces alanine 31 with glycine.
Molecular consequence: missense variant. On other transcripts: 5 prime UTR variant (4), non-coding transcript variant (1).
Genome position (GRCh38, 1-based): chr22:29,604,090, C>G. VCF-style: chr22-29604090-C-G. GRCh37 (hg19) VCF-style: chr22-30000079-C-G.
Other names: c.-139C>G (NM_001407053.1, NM_001407056.1); c.92C>G, p.Ala31Gly (NM_001407054.1, NM_001407055.1, NM_001407057.1 and 15 more transcripts); c.-549C>G (NM_001407065.1); c.-165C>G (NM_001407067.1); short protein forms A31G.
Identifiers: ClinVar variation 4661352 (VCV004661352.1).

ClinVar aggregate classification (germline): Uncertain significance (1 of 4 stars; one submission).

Conditions:
Hereditary cancer-predisposing syndrome. Also called: Neoplastic Syndromes, Hereditary; Tumor predisposition; Hereditary Cancer Syndrome; Hereditary neoplastic syndrome. Identifiers: Orphanet 140162, MedGen C0027672, MeSH D009386, MONDO:0015356.

Submission:

Ambry Genetics
Classification: Uncertain significance for Hereditary cancer-predisposing syndrome. Last evaluated: 2025-10-01. Review status: criteria provided, single submitter. Criteria: Ambry Variant Classification Scheme 2023. Collection method: clinical testing. Allele origin: germline.
Comment: The p.A31G variant (also known as c.92C>G), located in coding exon 1 of the NF2 gene, results from a C to G substitution at nucleotide position 92. The alanine at codon 31 is replaced by glycine, an amino acid with similar properties. This amino acid position is conserved. In addition, the in silico prediction for this alteration is inconclusive. Based on the available evidence, the clinical significance of this variant remains unclear.